The following is an entry in ClinVar:

ClinVar aggregate classification (germline): Uncertain significance (1 of 4 stars; one submission).

Allele frequency attached by ClinVar (database versions not stated): TOPMed below 0.00001; ExAC 0.00002.
gnomAD v4.1: 12 of 1,613,910 alleles (0.00074%); highest among the groups gnomAD compares: South Asian, 0.0033%; no homozygotes.

Submission:

Labcorp Genetics (formerly Invitae), Labcorp
Classification: Uncertain significance. Last evaluated: 2021-08-14. Review status: criteria provided, single submitter. Criteria: Invitae Variant Classification Sherloc (09022015). Collection method: clinical testing. Allele origin: germline.
Comment: This sequence change replaces valine with isoleucine at codon 469 of the AP3B2 protein (p.Val469Ile). The valine residue is highly conserved and there is a small physicochemical difference between valine and isoleucine. This variant is present in population databases (rs749228836, ExAC 0.003%). This variant has not been reported in the literature in individuals affected with AP3B2-related conditions. Algorithms developed to predict the effect of missense changes on protein structure and function (SIFT, PolyPhen-2, Align-GVGD) all suggest that this variant is likely to be disruptive. In summary, the available evidence is currently insufficient to determine the role of this variant in disease. Therefore, it has been classified as a Variant of Uncertain Significance.

NM_001278512.2(AP3B2):c.1405G>A (p.Val469Ile)

Genes: AP3B2 (adaptor related protein complex 3 subunit beta 2; minus strand), CPEB1-AS1 (CPEB1 antisense RNA 1; plus strand). Cytogenetic location: 15q25.2.
Variant type: single nucleotide variant.
Coding change: c.1405G>A on transcript NM_001278512.2 (MANE Select); coding-DNA position 1405, G replaced by A.
Protein change: p.Val469Ile; replaces valine 469 with isoleucine.
Molecular consequence: missense variant.
Genome position (GRCh38, 1-based): chr15:82,677,357, C>T on the plus strand (G>A on the coding strand, the complement: AP3B2 is on the minus strand). VCF-style: chr15-82677357-C-T. GRCh37 (hg19) VCF-style: chr15-83346109-C-T.
Other names: c.1309G>A, p.Val437Ile (NM_001278511.2); c.1405G>A, p.Val469Ile (NM_004644.5); short protein forms V437I, V469I.
Identifiers: ClinVar variation 1525247 (VCV001525247.5), dbSNP rs749228836, ClinGen allele CA7700224.